The following is an entry in ClinVar:

NC_000007.13:g.(?_94037139)_(94038155_?)dup

Gene: COL1A2 (collagen type I alpha 2 chain; plus strand). Cytogenetic location: 7q21.3.
Variant type: Duplication.
Identifiers: ClinVar variation 640462 (VCV000640462.11).

ClinVar aggregate classification (germline): Pathogenic. Review status: criteria provided, single submitter (1 of 4 stars). 2 submissions from 1 submitter: Pathogenic (2). Last evaluated 2018-07-11.

Conditions:
Osteogenesis imperfecta type I (OI1). Also called: OI, TYPE I; OSTEOGENESIS IMPERFECTA TARDA; OSTEOGENESIS IMPERFECTA WITH BLUE SCLERAE; Osteogenesis imperfecta type 1; Classic Non-deforming Osteogenesis Imperfecta with Blue Sclerae; Lobstein's Disease. Identifiers: Orphanet 216796, Orphanet 666, MedGen C0023931, MONDO:0008146, OMIM 166200. Disease mechanism: loss of function.
Ehlers-Danlos syndrome, classic type, 1 (EDSCL1). Also called: EDS I; EHLERS-DANLOS SYNDROME, GRAVIS TYPE; EHLERS-DANLOS SYNDROME, SEVERE CLASSIC TYPE; Ehlers-Danlos Syndrome, Classic Type, COL5A1-Related; Ehlers-Danlos syndrome, type 1. Identifiers: MedGen C0268335, MONDO:0019567, OMIM 130000.
Ehlers-Danlos syndrome, classic type (cEDS). Identifiers: Orphanet 287, MedGen C4225429, MONDO:0007522.

Submissions (2):

Labcorp Genetics (formerly Invitae), Labcorp
Classification: Pathogenic for Osteogenesis imperfecta type I; Ehlers-Danlos syndrome, type 1. Last evaluated: 2018-07-11. Review status: criteria provided, single submitter. Criteria: Invitae Variant Classification Sherloc (09022015). Collection method: clinical testing. Allele origin: germline.
Comment: This sequence change is a complex rearrangement involving exons 13-17. Although the exact nature of the event is unknown, it is likely that it results in duplication of exons 13-17 that are inserted into intron 17 and within that duplication exons 13-15 are inverted. This is expected to result in an absent or disrupted protein product. For these reasons, this variant has been classified as Pathogenic.

Labcorp Genetics (formerly Invitae), Labcorp
Classification: Pathogenic for Osteogenesis imperfecta type I; Ehlers-Danlos syndrome, classic type, 1. Last evaluated: 2018-07-05. Review status: criteria provided, single submitter. Criteria: Invitae Variant Classification Sherloc (09022015). Collection method: clinical testing. Allele origin: germline.
Comment: For these reasons, this variant has been classified as Pathogenic. This variant has been observed to be de novo in an individual with¬†osteogenesis imperfecta¬†(Invitae). This sequence change is a complex rearrangement involving exons 13-17. Although the exact nature of the event is unknown, it is likely that it results in duplication of exons 13-17 that are inserted into intron 17 and within that duplication exons 13-15 are inverted. This is expected to result in an absent or disrupted protein product.